The following is an entry in ClinVar:

NM_080860.4(RSPH1):c.712G>C (p.Ala238Pro)

Gene: RSPH1 (radial spoke head component 1; minus strand). Cytogenetic location: 21q22.3.
Variant type: single nucleotide variant.
Coding change: c.712G>C on transcript NM_080860.4 (MANE Select); coding-DNA position 712, G replaced by C.
Protein change: p.Ala238Pro; replaces alanine 238 with proline.
Molecular consequence: missense variant.
Genome position (GRCh38, 1-based): chr21:42,477,306, C>G on the plus strand (G>C on the coding strand, the complement: RSPH1 is on the minus strand). VCF-style: chr21-42477306-C-G. GRCh37 (hg19) VCF-style: chr21-43897416-C-G.
Other names: c.598G>C, p.Ala200Pro (NM_001286506.2); c.712G>C (NM_080860.2); short protein forms A200P, A238P.
Identifiers: ClinVar variation 660610 (VCV000660610.6), dbSNP rs200745905, ClinGen allele CA10043826.
Genomic context (GRCh38, chr21:42,477,306, plus strand): 5'-ACACCCTCTGCCCCCTCCACCCCACAGCCCGGGGGTGCCCCACACTCTCAGCTCCTGGAG[C>G]GTCTTGGCCAGGTCCATCCGTAGAGGTCGGCTTTTTGGGGAGAGTTGGTGTCCACAGGGC-3'
Protein context (NP_543136.1, residues 228-248): PTSTDGPGQD[Ala238Pro]PGAESAGEPG

ClinVar aggregate classification (germline): Uncertain significance. Review status: criteria provided, multiple submitters, no conflicts (2 of 4 stars). 2 submissions from 2 submitters: Uncertain significance (2). Last evaluated 2025-04-12.

Conditions:
Primary ciliary dyskinesia. Also called: Ciliary dyskinesia. Identifiers: Orphanet 244, MedGen C0008780, MONDO:0016575, HP:0012265.
Inborn genetic diseases. Identifiers: MedGen C0950123, MeSH D030342.

Allele frequency attached by ClinVar (database versions not stated): TOPMed 0.00003.
gnomAD v4.1: 8 of 1,613,896 alleles (0.0005%); highest among the groups gnomAD compares: African/African-American, 0.0093%; 1 homozygote.

Submissions (2):

Ambry Genetics
Classification: Uncertain significance for Inborn genetic diseases. Last evaluated: 2025-04-12. Review status: criteria provided, single submitter. Criteria: Ambry Variant Classification Scheme 2023. Collection method: clinical testing. Allele origin: germline.

Labcorp Genetics (formerly Invitae), Labcorp
Classification: Uncertain significance for Primary ciliary dyskinesia. Last evaluated: 2022-06-26. Review status: criteria provided, single submitter. Criteria: Invitae Variant Classification Sherloc (09022015). Collection method: clinical testing. Allele origin: germline.
Comment: In summary, the available evidence is currently insufficient to determine the role of this variant in disease. Therefore, it has been classified as a Variant of Uncertain Significance. Algorithms developed to predict the effect of missense changes on protein structure and function output the following: SIFT: "Tolerated"; PolyPhen-2: "Benign"; Align-GVGD: "Class C0". The proline amino acid residue is found in multiple mammalian species, which suggests that this missense change does not adversely affect protein function. ClinVar contains an entry for this variant (Variation ID: 660610). This variant has not been reported in the literature in individuals affected with RSPH1-related conditions. This variant is present in population databases (rs200745905, gnomAD 0.01%). This sequence change replaces alanine, which is neutral and non-polar, with proline, which is neutral and non-polar, at codon 238 of the RSPH1 protein (p.Ala238Pro).